The following is an entry in ClinVar:

ClinVar aggregate classification (germline): Conflicting classifications of pathogenicity. Review status: criteria provided, conflicting classifications (1 of 4 stars). 12 submissions from 12 submitters: Uncertain significance (9); Benign (1); Likely benign (1). 1 of the submissions does not count toward it. Last evaluated 2025-12-22.

Conditions:
Familial thoracic aortic aneurysm and aortic dissection (TAAD). Also called: Thoracic aortic aneurysms and dissections. Identifiers: Orphanet 91387, MedGen C4707243, MONDO:0019625.
Hereditary cancer-predisposing syndrome. Also called: Neoplastic Syndromes, Hereditary; Tumor predisposition; Hereditary Cancer Syndrome; Hereditary neoplastic syndrome. Identifiers: Orphanet 140162, MedGen C0027672, MeSH D009386, MONDO:0015356.
Carcinoma of pancreas. Also called: PANCREATIC ACINAR CARCINOMA; PANCREATIC CARCINOMA; Pancreatic cancer, somatic; Pancreatic carcinoma, somatic; Exocrine pancreatic carcinoma. Identifiers: Orphanet 1333, Orphanet 217074, MedGen C0235974, MONDO:0005192. Disease mechanism: loss of function.
Juvenile polyposis syndrome (JPS). Identifiers: Orphanet 2929, MedGen C0345893, MONDO:0017380, OMIM 174900.
Myhre syndrome (MYHRS). Also called: LARYNGOTRACHEAL STENOSIS, ARTHROPATHY, PROGNATHISM, AND SHORT STATURE; LAPS SYNDROME. Identifiers: Orphanet 2588, MedGen C0796081, MONDO:0007688, OMIM 139210.
Juvenile polyposis/hereditary hemorrhagic telangiectasia syndrome (JPHT). Also called: POLYPOSIS, GENERALIZED JUVENILE, WITH PULMONARY ARTERIOVENOUS MALFORMATION; TELANGIECTASIA, HEREDITARY HEMORRHAGIC, WITH JUVENILE POLYPOSIS COLI; JP/HHT SYNDROME; JUVENILE POLYPOSIS WITH HEREDITARY HEMORRHAGIC TELANGIECTASIA; Juvenile Polyposis Syndrome / Hereditary Hemorrhagic Telangiectasia (JPS/HHT). Identifiers: Orphanet 2929, MedGen C1832942, MONDO:0008278, OMIM 175050.
SMAD4-related disorder. Also called: SMAD4-related condition; SMAD4-Related disorders.

Allele frequency attached by ClinVar (database versions not stated): TOPMed below 0.00001; gnomAD exomes 0.00001.
gnomAD v4.1: 5 of 1,614,152 alleles (0.00031%); highest among the groups gnomAD compares: Admixed American, 0.005%; no homozygotes.

Submissions (12):

PreventionGenetics, part of Exact Sciences
Classification: Uncertain significance for SMAD4-related condition. Last evaluated: 2025-12-22. Review status: criteria provided, single submitter. Criteria: ACMG Guidelines, 2015. Collection method: clinical testing. Allele origin: germline.
Comment: The SMAD4 c.671A>T variant is predicted to result in the amino acid substitution p.Gln224Leu. This variant has been reported in the literature in a individual with colon cancer (Supporting Information Table 2, Ricker et al. 2017. PubMed ID: 28640387). This variant is reported in 0.0087% of alleles in individuals of Latino descent in gnomAD and has been interpreted as likely benign and variant of uncertain significance in Clinvar (Variation ID: 136077). At this time, the clinical significance of this variant is uncertain due to the absence of conclusive functional and genetic evidence.

Labcorp Genetics (formerly Invitae), Labcorp
Classification: Benign for Juvenile polyposis syndrome. Last evaluated: 2025-12-01. Review status: criteria provided, single submitter. Criteria: Invitae Variant Classification Sherloc (09022015). Collection method: clinical testing. Allele origin: germline.

Quest Diagnostics Nichols Institute San Juan Capistrano
Classification: Uncertain significance. Last evaluated: 2025-10-13. Review status: criteria provided, single submitter. Criteria: Quest Diagnostics criteria. Collection method: clinical testing. Allele origin: unknown.
Comment: The SMAD4 c.671A>T (p.Gln224Leu) variant has been reported in the published literature in an individual with colorectal cancer (PMID: 28640387 (2017)) and in an individual with breast cancer, melanoma, and hyperpigmentation (PMID: 36809100 (2022)). The frequency of this variant in the general population (Genome Aggregation Database) is higher than would generally be expected for pathogenic variants in this gene. Analysis of this variant using bioinformatics tools for the prediction of the effect of amino acid changes on protein structure and function yielded predictions that this variant is benign. Based on the available information, we are unable to determine the clinical significance of this variant.

Women's Health and Genetics/Laboratory Corporation of America, LabCorp
Classification: Uncertain significance. Last evaluated: 2024-12-17. Review status: criteria provided, single submitter. Criteria: LabCorp Variant Classification Summary - May 2015. Collection method: clinical testing. Allele origin: germline.
Comment: Variant summary: SMAD4 c.671A>T (p.Gln224Leu) results in a non-conservative amino acid change in the encoded protein sequence. Three of five in-silico tools predict a benign effect of the variant on protein function. The variant allele was found at a frequency of 1.2e-05 in 251320 control chromosomes (gnomAD). The available data on variant occurrences in the general population are insufficient to allow any conclusion about variant significance. c.671A>T has been reported in the literature in an individual affected with Colorectal Cancer without strong evidence of causality (Ricker_2017). This report does not provide unequivocal conclusions about association of the variant with Colon Cancer. To our knowledge, no experimental evidence demonstrating an impact on protein function has been reported. The following publication has been ascertained in the context of this evaluation (PMID: 28640387). ClinVar contains an entry for this variant (Variation ID: 136077). Based on the evidence outlined above, the variant was classified as uncertain significance.

GeneDx
Classification: Uncertain significance. Last evaluated: 2023-10-27. Review status: criteria provided, single submitter. Criteria: GeneDx Variant Classification Process June 2021. Collection method: clinical testing. Allele origin: germline. Affected: yes.
Comment: Not observed at significant frequency in large population cohorts (gnomAD); In silico analysis supports that this missense variant does not alter protein structure/function; Identified in an individual with a personal history of breast cancer, melanoma, and segmental hyperpigmentation (PMID: 36809100); This variant is associated with the following publications: (PMID: 36809100)

All of Us Research Program, National Institutes of Health
Classification: Uncertain significance for Juvenile polyposis/hereditary hemorrhagic telangiectasia syndrome. Last evaluated: 2023-10-23. Review status: criteria provided, single submitter. Criteria: ACMG Guidelines, 2015. Collection method: clinical testing. Allele origin: germline. Inheritance: Autosomal dominant inheritance. Observed: 2 variant alleles, 2 heterozygotes.
Comment: This missense variant replaces glutamine with leucine at codon 224 of the SMAD4 protein. Computational prediction suggests that this variant may not impact protein structure and function (internally defined REVEL score threshold <= 0.5, PMID: 27666373). To our knowledge, functional studies have not been reported for this variant. This variant has not been reported in individuals affected with SMAD4-related disorders in the literature. This variant has been identified in 3/251320 chromosomes in the general population by the Genome Aggregation Database (gnomAD). The available evidence is insufficient to determine the role of this variant in disease conclusively. Therefore, this variant is classified as a Variant of Uncertain Significance.

This study involves interpretation of variants in research participants for the purpose of population health screening. Participant phenotype was not available at the time of variant classification. Additional details can be found in publication PMID: 35346344, PMCID: PMC8962531

Baylor Genetics
Classification: Uncertain significance for Juvenile polyposis/hereditary hemorrhagic telangiectasia syndrome. Last evaluated: 2023-10-02. Review status: criteria provided, single submitter. Criteria: ACMG Guidelines, 2015. Collection method: clinical testing. Allele origin: unknown.

Color Diagnostics, LLC DBA Color Health
Classification: Uncertain significance for Hereditary cancer-predisposing syndrome. Last evaluated: 2023-05-30. Review status: criteria provided, single submitter. Criteria: ACMG Guidelines, 2015. Collection method: clinical testing. Allele origin: germline.
Comment: This missense variant replaces glutamine with leucine at codon 224 of the SMAD4 protein. Computational prediction suggests that this variant may not impact protein structure and function (internally defined REVEL score threshold <= 0.5, PMID: 27666373). To our knowledge, functional studies have not been reported for this variant. This variant has not been reported in individuals affected with SMAD4-related disorders in the literature. This variant has been identified in 3/251320 chromosomes in the general population by the Genome Aggregation Database (gnomAD). The available evidence is insufficient to determine the role of this variant in disease conclusively. Therefore, this variant is classified as a Variant of Uncertain Significance.

Myriad Genetics, Inc.
Classification: Uncertain significance for Juvenile polyposis/hereditary hemorrhagic telangiectasia syndrome. Last evaluated: 2023-04-10. Review status: criteria provided, single submitter. Criteria: Myriad Autosomal Dominant, Autosomal Recessive and X-Linked Classification Criteria (2023). Collection method: clinical testing. Allele origin: unknown.
Comment: This variant is classified as a variant of uncertain significance as there is insufficient evidence to determine its impact on protein function and/or cancer risk.

Ambry Genetics
Classification: Likely benign for Hereditary cancer-predisposing syndrome; Familial thoracic aortic aneurysm and aortic dissection. Last evaluated: 2022-08-29. Review status: criteria provided, single submitter. Criteria: Ambry Variant Classification Scheme 2023. Collection method: clinical testing. Allele origin: germline.

Fulgent Genetics
Classification: Uncertain significance for Myhre syndrome; Juvenile polyposis syndrome; Juvenile polyposis/hereditary hemorrhagic telangiectasia syndrome; Familial pancreatic carcinoma. Last evaluated: 2021-09-23. Review status: criteria provided, single submitter. Criteria: ACMG Guidelines, 2015. Collection method: clinical testing. Allele origin: unknown.

Counsyl
Classification: Uncertain significance for Juvenile polyposis syndrome. Last evaluated: 2017-10-27. Review status: no assertion criteria provided. Collection method: clinical testing. Allele origin: unknown. Not counted in ClinVar's aggregate classification.

Literature cited by the submitters: PubMed 28640387 (cited by Quest Diagnostics Nichols Institute San Juan Capistrano and Women's Health and Genetics/Laboratory Corporation of America, LabCorp); PubMed 36809100 (cited by Quest Diagnostics Nichols Institute San Juan Capistrano).

NM_005359.6(SMAD4):c.671A>T (p.Gln224Leu)

Gene: SMAD4 (SMAD family member 4; plus strand). Cytogenetic location: 18q21.2.
Variant type: single nucleotide variant.
Coding change: c.671A>T on transcript NM_005359.6 (MANE Select); coding-DNA position 671, A replaced by T.
Protein change: p.Gln224Leu; replaces glutamine 224 with leucine.
Molecular consequence: missense variant.
Genome position (GRCh38, 1-based): chr18:51,058,128, A>T. VCF-style: chr18-51058128-A-T. GRCh37 (hg19) VCF-style: chr18-48584498-A-T.
Other names: short protein forms Q224L.
Identifiers: ClinVar variation 136077 (VCV000136077.28), dbSNP rs587780793, ClinGen allele CA332851.
Genomic context (GRCh38, chr18:51,058,128, plus strand): 5'-GAAATCATAAGATGACATCTATGAATGTACCATGTTAATGTCTTCTTGTTCCTCTAGGTC[A>T]GCCTGCCAGTATACTGGGGGGCAGCCATAGTGAAGGACTGTTGCAGATAGCATCAGGGCC-3'
Protein context (NP_005350.1, residues 214-234): FPNIPVASTS[Gln224Leu]PASILGGSHS